The following is an entry in ClinVar:

ClinVar aggregate classification (germline): Likely benign. Review status: criteria provided, single submitter (1 of 4 stars). 2 submissions from 1 submitter: Likely benign (2). Last evaluated 2018-01-13.

Conditions:
Aortic aneurysm, familial thoracic 4 (AAT4). Also called: AORTIC ANEURYSM/AORTIC DISSECTION AND PATENT DUCTUS ARTERIOSUS. Identifiers: MedGen C1851504, MONDO:0007568, OMIM 132900.
Lissencephaly 4 (LIS4). Also called: Lissencephaly 4 (with microcephaly). Identifiers: Orphanet 1083, MedGen C3151461, MONDO:0013527, OMIM 614019.

Allele frequency attached by ClinVar (database versions not stated): gnomAD exomes 0.00026; gnomAD 0.00212 and 0.00221; TOPMed 0.00235; 1000 Genomes Project 0.00379; 1000 Genomes Project 30x 0.00453.
gnomAD v4.1: 393 of 398,794 alleles (0.099%); highest among the groups gnomAD compares: African/African-American, 0.68%; 2 homozygotes.

Submissions (2):

Illumina Laboratory Services, Illumina
Classification: Likely benign for Aortic aneurysm, familial thoracic 4. Last evaluated: 2018-01-13. Review status: criteria provided, single submitter. Criteria: ICSL Variant Classification Criteria 13 December 2019. Collection method: clinical testing. Allele origin: germline.
Comment: This variant was observed in the ICSL laboratory as part of a predisposition screen in an ostensibly healthy population. It had not been previously curated by ICSL or reported in the Human Gene Mutation Database (HGMD: prior to June 1st, 2018), and was therefore a candidate for classification through an automated scoring system. Utilizing variant allele frequency, disease prevalence and penetrance estimates, and inheritance mode, an automated score was calculated to assess if this variant is too frequent to cause the disease. Based on the score and internal cut-off values, a variant classified as likely benign is not then subjected to further curation. The score for this variant resulted in a classification of likely benign for this disease.

Illumina Laboratory Services, Illumina
Classification: Likely benign for Lissencephaly 4. Last evaluated: 2018-01-13. Review status: criteria provided, single submitter. Criteria: ICSL Variant Classification Criteria 13 December 2019. Collection method: clinical testing. Allele origin: germline.
Comment: the same text as in the submission from Illumina Laboratory Services, Illumina above.

NM_002474.3(MYH11):c.3859-768T>C

Genes: NDE1 (nudE neurodevelopment protein 1; plus strand), MYH11 (myosin heavy chain 11; minus strand). Cytogenetic location: 16p13.11.
Variant type: single nucleotide variant.
Coding change: c.3859-768T>C on transcript NM_002474.3 (MANE Select); 768 bases into the intron before coding-DNA position 3859, T replaced by C.
Molecular consequence: intron variant. On other transcripts: 3 prime UTR variant (2).
Genome position (GRCh38, 1-based): chr16:15,725,760, A>G on the plus strand (T>C on the coding strand, the complement: MYH11 is on the minus strand). VCF-style: chr16-15725760-A-G. GRCh37 (hg19) VCF-style: chr16-15819617-A-G.
Other names: c.*1509A>G (NM_001143979.2, NM_017668.3); c.3859-768T>C (NM_022844.3); c.3880-768T>C (NM_001040114.2, NM_001040113.2).
Identifiers: ClinVar variation 885114 (VCV000885114.4), dbSNP rs140080894, ClinGen allele CA278607879.